The following is an entry in ClinVar:

ClinVar aggregate classification (germline): Benign/Likely benign. Review status: criteria provided, multiple submitters, no conflicts (2 of 4 stars). 4 submissions from 4 submitters: Benign (1); Likely benign (3). Last evaluated 2025-10-01.

Conditions:
Hereditary cancer-predisposing syndrome. Also called: Neoplastic Syndromes, Hereditary; Hereditary Cancer Syndrome; Hereditary neoplastic syndrome; Tumor predisposition. Identifiers: Orphanet 140162, MedGen C0027672, MeSH D009386, MONDO:0015356.
Familial cancer of breast. Also called: BREAST CANCER, FAMILIAL; Hereditary breast cancer; hereditary breast carcinoma. Identifiers: Orphanet 227535, MedGen C0346153, MONDO:0016419, OMIM 114480. Disease mechanism: loss of function.

Allele frequency attached by ClinVar (database versions not stated): gnomAD exomes below 0.00001 and 0.00001; ExAC 0.00002; TOPMed 0.00002.
gnomAD v4.1: 6 of 1,614,076 alleles (0.00037%); highest among the groups gnomAD compares: East Asian, 0.0022%; no homozygotes.

Submissions (4):

Labcorp Genetics (formerly Invitae), Labcorp
Classification: Likely benign for Familial cancer of breast. Last evaluated: 2025-10-01. Review status: criteria provided, single submitter. Criteria: Invitae Variant Classification Sherloc (09022015). Collection method: clinical testing. Allele origin: germline.

Myriad Genetics, Inc.
Classification: Benign for Familial cancer of breast. Last evaluated: 2025-01-15. Review status: criteria provided, single submitter. Criteria: Myriad Autosomal Dominant, Autosomal Recessive and X-Linked Classification Criteria (2023). Collection method: clinical testing. Allele origin: unknown.
Comment: This variant is considered benign. This variant is a silent/synonymous amino acid change and it is not expected to impact splicing.

Color Diagnostics, LLC DBA Color Health
Classification: Likely benign for Hereditary cancer-predisposing syndrome. Last evaluated: 2018-10-17. Review status: criteria provided, single submitter. Criteria: ACMG Guidelines, 2015. Collection method: clinical testing. Allele origin: germline.

Ambry Genetics
Classification: Likely benign for Hereditary cancer-predisposing syndrome. Last evaluated: 2015-10-28. Review status: criteria provided, single submitter. Criteria: Ambry Variant Classification Scheme 2023. Collection method: clinical testing. Allele origin: germline.

NM_024675.4(PALB2):c.2088G>A (p.Thr696=)

Gene: PALB2 (partner and localizer of BRCA2; minus strand). Cytogenetic location: 16p12.2.
Variant type: single nucleotide variant.
Coding change: c.2088G>A on transcript NM_024675.4 (MANE Select); coding-DNA position 2088, G replaced by A.
Protein change: p.Thr696=; no amino-acid change (threonine 696 retained).
Molecular consequence: synonymous variant.
Genome position (GRCh38, 1-based): chr16:23,630,066, C>T on the plus strand (G>A on the coding strand, the complement: PALB2 is on the minus strand). VCF-style: chr16-23630066-C-T. GRCh37 (hg19) VCF-style: chr16-23641387-C-T.
Identifiers: ClinVar variation 460927 (VCV000460927.31), dbSNP rs747270311, ClinGen allele CA7963625.
Genomic context (GRCh38, chr16:23,630,066, plus strand): 5'-ATTATCATCAGGCGCAACCGTATTTAAAGGAGTATAAAGTAATATGGATGAAGAAAGGCC[C>T]GTCTTTGTATGCTGGCTTTGCGAGTTTGGCCTTTTGGGATGTGATTTTCCTGGTAGAACA-3'
Protein context (NP_078951.2, residues 686-706): RPNSQSQHTK[Thr696=]GLSSSILLYT